The following is an entry in ClinVar:

ClinVar aggregate classification (germline): Uncertain significance. Review status: criteria provided, single submitter (1 of 4 stars). 2 submissions from 2 submitters: Uncertain significance (1). 1 of the submissions does not count toward it. Last evaluated 2019-06-26.

Conditions:
Cohen syndrome (COH1). Also called: PEPPER SYNDROME; Cutis verticis gyrata, retinitis pigmentosa, and sensorineural deafness. Identifiers: Orphanet 193, MedGen C0265223, MONDO:0008999, OMIM 216550.

Allele frequency attached by ClinVar (database versions not stated): gnomAD exomes below 0.00001; TOPMed 0.00001.
gnomAD v4.1: 2 of 1,614,188 alleles (0.00012%); highest among the groups gnomAD compares: African/African-American, 0.0027%; no homozygotes.

Submissions (2):

Labcorp Genetics (formerly Invitae), Labcorp
Classification: Uncertain significance for Cohen syndrome. Last evaluated: 2019-06-26. Review status: criteria provided, single submitter. Criteria: Invitae Variant Classification Sherloc (09022015). Collection method: clinical testing. Allele origin: germline.
Comment: This variant is not present in population databases (ExAC no frequency). This variant has not been reported in the literature in individuals with VPS13B-related conditions. Algorithms developed to predict the effect of missense changes on protein structure and function output the following: SIFT: "Tolerated"; PolyPhen-2: "Benign"; Align-GVGD: "Class C0". The valine amino acid residue is found in multiple mammalian species, suggesting that this missense change does not adversely affect protein function. These predictions have not been confirmed by published functional studies and their clinical significance is uncertain. In summary, the available evidence is currently insufficient to determine the role of this variant in disease. Therefore, it has been classified as a Variant of Uncertain Significance. This sequence change replaces methionine with valine at codon 3974 of the VPS13B protein (p.Met3974Val). The methionine residue is weakly conserved and there is a small physicochemical difference between methionine and valine.

Natera, Inc.
Classification: Uncertain significance for Cohen syndrome. Last evaluated: 2021-05-05. Review status: no assertion criteria provided. Collection method: clinical testing. Allele origin: germline. Not counted in ClinVar's aggregate classification.

NM_152564.5(VPS13B):c.11845A>G (p.Met3949Val)

Gene: VPS13B (vacuolar protein sorting 13 homolog B; plus strand). Cytogenetic location: 8q22.2.
Variant type: single nucleotide variant.
Coding change: c.11845A>G on transcript NM_152564.5 (MANE Select); coding-DNA position 11845, A replaced by G.
Protein change: p.Met3949Val; replaces methionine 3949 with valine.
Molecular consequence: missense variant.
Genome position (GRCh38, 1-based): chr8:99,875,517, A>G. VCF-style: chr8-99875517-A-G. GRCh37 (hg19) VCF-style: chr8-100887745-A-G.
Other names: c.11920A>G, p.Met3974Val (NM_017890.5); short protein forms M3949V, M3974V.
Identifiers: ClinVar variation 949141 (VCV000949141.11), dbSNP rs1227148786, ClinGen allele CA371795722.